The following is an entry in ClinVar:

ClinVar aggregate classification (germline): Uncertain significance (1 of 4 stars; one submission).

Allele frequency attached by ClinVar (database versions not stated): gnomAD exomes below 0.00001.
gnomAD v4.1: 1 of 1,613,882 alleles (0.000062%); highest among the groups gnomAD compares: Non-Finnish European, 0.000085%; no homozygotes.

Submission:

Labcorp Genetics (formerly Invitae), Labcorp
Classification: Uncertain significance. Last evaluated: 2022-07-05. Review status: criteria provided, single submitter. Criteria: Invitae Variant Classification Sherloc (09022015). Collection method: clinical testing. Allele origin: germline.
Comment: This sequence change replaces threonine, which is neutral and polar, with alanine, which is neutral and non-polar, at codon 2299 of the CDH23 protein (p.Thr2299Ala). This variant is not present in population databases (gnomAD no frequency). This variant has not been reported in the literature in individuals affected with CDH23-related conditions. ClinVar contains an entry for this variant (Variation ID: 1467996). Algorithms developed to predict the effect of missense changes on protein structure and function are either unavailable or do not agree on the potential impact of this missense change (SIFT: "Deleterious"; PolyPhen-2: "Not Available"; Align-GVGD: "Class C55"). In summary, the available evidence is currently insufficient to determine the role of this variant in disease. Therefore, it has been classified as a Variant of Uncertain Significance.

NM_022124.6(CDH23):c.6895A>G (p.Thr2299Ala)

Gene: CDH23 (cadherin related 23; plus strand). Cytogenetic location: 10q22.1.
Variant type: single nucleotide variant.
Coding change: c.6895A>G on transcript NM_022124.6 (MANE Select); coding-DNA position 6895, A replaced by G.
Protein change: p.Thr2299Ala; replaces threonine 2299 with alanine.
Molecular consequence: missense variant.
Genome position (GRCh38, 1-based): chr10:71,798,419, A>G. VCF-style: chr10-71798419-A-G. GRCh37 (hg19) VCF-style: chr10-73558176-A-G.
Other names: c.175A>G, p.Thr59Ala (NM_001171933.1, NM_001171934.1); short protein forms T2299A, T59A.
Identifiers: ClinVar variation 1467996 (VCV001467996.5), dbSNP rs2132965545, ClinGen allele CA377157838.
Genomic context (GRCh38, chr10:71,798,419, plus strand): 5'-CTGACTGTCAACGTCCTGGACGTCAATGACAATACGCCCCAGTTCAAGCCCTTTGGGATC[A>G]CCTACTACATGGAGCGGATCCTGGAGGGGGCCACCCCTGGGACCACACTCATTGCTGTGG-3'
Protein context (NP_071407.4, residues 2289-2309): NTPQFKPFGI[Thr2299Ala]YYMERILEGA